The following is an entry in ClinVar:

ClinVar aggregate classification (germline): Likely benign (0 of 4 stars; one submission).

Conditions:
ATP11C-related disorder. Also called: ATP11C-related condition.

Submission:

PreventionGenetics, part of Exact Sciences
Classification: Likely benign for ATP11C-related condition. Last evaluated: 2022-03-18. Review status: no assertion criteria provided. Collection method: clinical testing. Allele origin: germline.
Comment: This variant is classified as likely benign based on ACMG/AMP sequence variant interpretation guidelines (Richards et al. 2015 PMID: 25741868, with internal and published modifications).

NM_001353812.2(ATP11C):c.27+9A>G

Gene: ATP11C (ATPase phospholipid transporting 11C (ATP11C blood group); minus strand). Cytogenetic location: Xq27.1.
Variant type: single nucleotide variant.
Coding change: c.27+9A>G on transcript NM_001353812.2 (MANE Select); 9 bases into the intron after coding-DNA position 27, A replaced by G.
Molecular consequence: intron variant.
Genome position (GRCh38, 1-based): chrX:139,932,007, T>C on the plus strand (A>G on the coding strand, the complement: ATP11C is on the minus strand). VCF-style: chrX-139932007-T-C. GRCh37 (hg19) VCF-style: chrX-139014166-T-C.
Other names: c.27+9A>G (NM_001353810.2, NM_001353811.2).
Identifiers: ClinVar variation 3046079 (VCV003046079.2), dbSNP rs750374357, ClinGen allele CA2694874031.